The following is an entry in ClinVar:

NM_032217.5(ANKRD17):c.2852C>T (p.Ala951Val)

Gene: ANKRD17 (ankyrin repeat domain 17; minus strand). Cytogenetic location: 4q13.3.
Variant type: single nucleotide variant.
Coding change: c.2852C>T on transcript NM_032217.5 (MANE Select); coding-DNA position 2852, C replaced by T.
Protein change: p.Ala951Val; replaces alanine 951 with valine.
Molecular consequence: missense variant. On other transcripts: intron variant (1).
Genome position (GRCh38, 1-based): chr4:73,139,764, G>A on the plus strand (C>T on the coding strand, the complement: ANKRD17 is on the minus strand). VCF-style: chr4-73139764-G-A. GRCh37 (hg19) VCF-style: chr4-74005481-G-A.
Other names: c.2513C>T, p.Ala838Val (NM_001286771.3); c.2852C>T, p.Ala951Val (NM_015574.2); c.2332+1977C>T (NM_198889.3); short protein forms A838V, A951V.
Identifiers: ClinVar variation 5020223 (VCV005020223.1).

ClinVar aggregate classification (germline): Uncertain significance (1 of 4 stars; one submission).

gnomAD v4.1: 13 of 1,614,176 alleles (0.00081%); highest among the groups gnomAD compares: East Asian, 0.0067%; no homozygotes.

Submission:

Dasa
Classification: Uncertain significance. Last evaluated: 2026-08-11. Review status: criteria provided, single submitter. Criteria: DASA Assertion Criteria. Collection method: clinical testing. Allele origin: germline.
Comment: NM_032217.5(ANKRD17):c.2852C>T (p.Ala951Val) is a missense variant that results in the substitution of alanine with valine. This variant is rare in population databases. The currently available literature and clinical evidence are not sufficient to establish a definitive association between this variant and the reported condition. Therefore, this variant is classified as a variant of uncertain significance.